The following is an entry in ClinVar:

ClinVar aggregate classification (germline): Conflicting classifications of pathogenicity. Review status: criteria provided, conflicting classifications (1 of 4 stars). 3 submissions from 2 submitters: Uncertain significance (1); Benign (1); Likely benign (1). Last evaluated 2023-12-22.

Conditions:
Hawkinsinuria. Identifiers: Orphanet 2118, MedGen C2931042, MONDO:0007700, OMIM 140350, HP:0034457.
Tyrosinemia type III. Also called: Tyrosinemia type 3; 4-alpha hydroxyphenylpyruvic acid oxidase deficiency; 4-alpha hydroxyphenylpyruvate dioxygenase deficiency; 4-Hydroxyphenylpyruvate dioxygenase deficiency; 4-HYDROXYPHENYLPYRUVIC ACID OXIDASE DEFICIENCY. Identifiers: Orphanet 69723, MedGen C0268623, MONDO:0010162, OMIM 276710.

Allele frequency attached by ClinVar (database versions not stated): gnomAD 0.00001; TOPMed 0.00001; gnomAD exomes 0.00008; ExAC 0.00016.
gnomAD v4.1: 42 of 1,613,978 alleles (0.0026%); highest among the groups gnomAD compares: Non-Finnish European, 0.0027%; no homozygotes.

Submissions (3):

Labcorp Genetics (formerly Invitae), Labcorp
Classification: Likely benign for Tyrosinemia type III; Hawkinsinuria. Last evaluated: 2023-12-22. Review status: criteria provided, single submitter. Criteria: Invitae Variant Classification Sherloc (09022015). Collection method: clinical testing. Allele origin: germline.

Illumina Laboratory Services, Illumina
Classification: Benign for Hawkinsinuria. Last evaluated: 2018-01-12. Review status: criteria provided, single submitter. Criteria: ICSL Variant Classification Criteria 13 December 2019. Collection method: clinical testing. Allele origin: germline.
Comment: This variant was observed in the ICSL laboratory as part of a predisposition screen in an ostensibly healthy population. It had not been previously curated by ICSL or reported in the Human Gene Mutation Database (HGMD: prior to June 1st, 2018), and was therefore a candidate for classification through an automated scoring system. Utilizing variant allele frequency, disease prevalence and penetrance estimates, and inheritance mode, an automated score was calculated to assess if this variant is too frequent to cause the disease. Based on the score and internal cut-off values, a variant classified as benign is not then subjected to further curation. The score for this variant resulted in a classification of benign for this disease.

Illumina Laboratory Services, Illumina
Classification: Uncertain significance for Tyrosinemia type III. Last evaluated: 2018-01-12. Review status: criteria provided, single submitter. Criteria: ICSL Variant Classification Criteria 13 December 2019. Collection method: clinical testing. Allele origin: germline.

NM_002150.3(HPD):c.765T>C (p.Tyr255=)

Genes: HPD (4-hydroxyphenylpyruvate dioxygenase; minus strand), TIALD (transcript inducer of AURKA lysosomal degradation; plus strand). Cytogenetic location: 12q24.31.
Variant type: single nucleotide variant.
Coding change: c.765T>C on transcript NM_002150.3 (MANE Select); coding-DNA position 765, T replaced by C.
Protein change: p.Tyr255=; no amino-acid change (tyrosine 255 retained).
Molecular consequence: synonymous variant.
Genome position (GRCh38, 1-based): chr12:121,846,928, A>G on the plus strand (T>C on the coding strand, the complement: HPD is on the minus strand). VCF-style: chr12-121846928-A-G. GRCh37 (hg19) VCF-style: chr12-122284834-A-G.
Other names: c.648T>C, p.Tyr216= (NM_001171993.2).
Identifiers: ClinVar variation 307483 (VCV000307483.8), dbSNP rs767720774, ClinGen allele CA6839538.